The following is an entry in ClinVar:

ClinVar aggregate classification (germline): Pathogenic/Likely pathogenic. Review status: criteria provided, multiple submitters, no conflicts (2 of 4 stars). 2 submissions from 2 submitters: Pathogenic (1); Likely pathogenic (1). Last evaluated 2025-03-17.

Conditions:
CWC27-related disorder. Also called: CWC27-related condition.

Submissions (2):

Labcorp Genetics (formerly Invitae), Labcorp
Classification: Pathogenic. Last evaluated: 2025-03-17. Review status: criteria provided, single submitter. Criteria: Invitae Variant Classification Sherloc (09022015). Collection method: clinical testing. Allele origin: germline.
Comment: This sequence change creates a premature translational stop signal (p.Asn109Metfs*39) in the CWC27 gene. It is expected to result in an absent or disrupted protein product. Loss-of-function variants in CWC27 are known to be pathogenic (PMID: 28285769). This variant is not present in population databases (gnomAD no frequency). This variant has not been reported in the literature in individuals affected with CWC27-related conditions. ClinVar contains an entry for this variant (Variation ID: 2769599). For these reasons, this variant has been classified as Pathogenic.

Blueprint Genetics
Classification: Likely pathogenic for CWC27-related disorders. Last evaluated: 2019-02-26. Review status: criteria provided, single submitter. Criteria: ACMG Guidelines, 2015. Collection method: clinical testing. Allele origin: germline. Affected: yes. Observed: 1 variant allele.

Literature cited by the submitters: PubMed 28285769 (cited by Labcorp Genetics (formerly Invitae), Labcorp).

NM_005869.4(CWC27):c.326del (p.Asn109fs)

Gene: CWC27 (CWC27 spliceosome associated cyclophilin; plus strand). Cytogenetic location: 5q12.3.
Variant type: Deletion.
Coding change: c.326del on transcript NM_005869.4 (MANE Select); coding-DNA position 326, one base deleted (A; older notation c.326delA).
Protein change: p.Asn109fs; shifts the reading frame from asparagine 109.
Molecular consequence: frameshift variant.
Genome position (GRCh38, 1-based): chr5:64,783,909, A deleted; the last of 2 consecutive A bases (chr5:64,783,908-64,783,909); deleting either gives the same sequence. VCF-style (leftmost placement, unchanged base first): chr5-64783907-TA-T. GRCh37 (hg19) VCF-style: chr5-64079734-TA-T.
Other names: c.326del, p.Asn109fs (NM_001297644.1, NM_001297645.2, NM_001318000.2 and 1 more transcripts); short protein forms N109fs.
Identifiers: ClinVar variation 2769599 (VCV002769599.4), dbSNP rs1300583921, ClinGen allele CA813102724.